The following is an entry in ClinVar:

ClinVar aggregate classification (germline): Uncertain significance. Review status: criteria provided, multiple submitters, no conflicts (2 of 4 stars). 2 submissions from 2 submitters: Uncertain significance (2). Last evaluated 2025-04-16.

Allele frequency attached by ClinVar (database versions not stated): gnomAD 0.00003; ExAC 0.00010.
gnomAD v4.1: 72 of 1,613,386 alleles (0.0045%); highest among the groups gnomAD compares: Non-Finnish European, 0.0055%; no homozygotes.

Submissions (2):

Women's Health and Genetics/Laboratory Corporation of America, LabCorp
Classification: Uncertain significance. Last evaluated: 2025-04-16. Review status: criteria provided, single submitter. Criteria: LabCorp Variant Classification Summary - May 2015. Collection method: clinical testing. Allele origin: germline.
Comment: Variant summary: SEMA7A c.329C>T (p.Thr110Met) results in a non-conservative amino acid change in the encoded protein sequence. Three of five in-silico tools predict a benign effect of the variant on protein function. Consensus agreement among computation tools predict no significant impact on normal splicing. However, these predictions have yet to be confirmed by functional studies. The variant allele was found at a frequency of 5.6e-05 in 250248 control chromosomes (gnomAD). This frequency is not significantly higher than estimated for a pathogenic variant in SEMA7A causing Cholestasis, Progressive Familial Intrahepatic, 11, allowing no conclusion about variant significance. To our knowledge, no occurrence of c.329C>T in individuals affected with Cholestasis, Progressive Familial Intrahepatic, 11 and no experimental evidence demonstrating its impact on protein function have been reported. ClinVar contains an entry for this variant (Variation ID: 3159935). Based on the evidence outlined above, the variant was classified as uncertain significance.

Ambry Genetics
Classification: Uncertain significance. Last evaluated: 2024-10-12. Review status: criteria provided, single submitter. Criteria: Ambry Variant Classification Scheme 2023. Collection method: clinical testing. Allele origin: germline.

NM_003612.5(SEMA7A):c.329C>T (p.Thr110Met)

Gene: SEMA7A (semaphorin 7A (JohnMiltonHagen blood group); minus strand). Cytogenetic location: 15q24.1.
Variant type: single nucleotide variant.
Coding change: c.329C>T on transcript NM_003612.5 (MANE Select); coding-DNA position 329, C replaced by T.
Protein change: p.Thr110Met; replaces threonine 110 with methionine.
Molecular consequence: missense variant. On other transcripts: 5 prime UTR variant (1).
Genome position (GRCh38, 1-based): chr15:74,418,802, G>A on the plus strand (C>T on the coding strand, the complement: SEMA7A is on the minus strand). VCF-style: chr15-74418802-G-A. GRCh37 (hg19) VCF-style: chr15-74711143-G-A.
Other names: c.329C>T, p.Thr110Met (NM_001146029.3); c.-167C>T (NM_001146030.3); short protein forms T110M.
Identifiers: ClinVar variation 3159935 (VCV003159935.4), dbSNP rs200106474, ClinGen allele CA7657323.
Genomic context (GRCh38, chr15:74,418,802, plus strand): 5'-GCAGGGCCAGAGGGGAGATAAGAGGGTAGGGGGGGTGTTGGGGGAAGAGAGAGGCTCACC[G>A]TGCGCACAGATGCGTTCTTGCCCTCGGGGAAGTCAAAGAGGTAGACCTTGCCACGTCCTC-3'
Protein context (NP_003603.1, residues 100-120): FPEGKNASVR[Thr110Met]VNIGSTKGSC